The following is an entry in ClinVar:

ClinVar aggregate classification (germline): Uncertain significance (1 of 4 stars; one submission).

Conditions:
Cernunnos-XLF deficiency (IMD124). Also called: NHEJ1 SYNDROME; SCID, AUTOSOMAL RECESSIVE, T CELL-NEGATIVE, B CELL-NEGATIVE, NK CELL-POSITIVE, WITH MICROCEPHALY, GROWTH RETARDATION, AND SENSITIVITY TO IONIZING RADIATION; Severe combined immunodeficiency with sensitivity to ionizing radiation due to NHEJ1 deficiency; SCID, autosomal recessive, T cell-negative, B cell-negative, NK cell-positive, and sensitivity to ionizing radiation due to NHEJ1 deficiency; IMMUNODEFICIENCY 124, SEVERE COMBINED. Identifiers: Orphanet 169079, MedGen C1969799, MONDO:0012650, OMIM 611291.

Submission:

Labcorp Genetics (formerly Invitae), Labcorp
Classification: Uncertain significance for Cernunnos-XLF deficiency. Last evaluated: 2025-08-15. Review status: criteria provided, single submitter. Criteria: Invitae Variant Classification Sherloc (09022015). Collection method: clinical testing. Allele origin: germline.
Comment: This sequence change replaces serine, which is neutral and polar, with threonine, which is neutral and polar, at codon 110 of the NHEJ1 protein (p.Ser110Thr). This variant is not present in population databases (gnomAD no frequency). This variant has not been reported in the literature in individuals affected with NHEJ1-related conditions. ClinVar contains an entry for this variant (Variation ID: 2714909). Invitae Evidence Modeling of protein sequence and biophysical properties (such as structural, functional, and spatial information, amino acid conservation, physicochemical variation, residue mobility, and thermodynamic stability) indicates that this missense variant is expected to disrupt NHEJ1 protein function with a positive predictive value of 80%. In summary, the available evidence is currently insufficient to determine the role of this variant in disease. Therefore, it has been classified as a Variant of Uncertain Significance.

NM_024782.3(NHEJ1):c.329G>C (p.Ser110Thr)

Gene: NHEJ1 (non-homologous end joining factor 1; minus strand). Cytogenetic location: 2q35.
Variant type: single nucleotide variant.
Coding change: c.329G>C on transcript NM_024782.3 (MANE Select); coding-DNA position 329, G replaced by C.
Protein change: p.Ser110Thr; replaces serine 110 with threonine.
Molecular consequence: missense variant. On other transcripts: non-coding transcript variant (1).
Genome position (GRCh38, 1-based): chr2:219,157,533, C>G on the plus strand (G>C on the coding strand, the complement: NHEJ1 is on the minus strand). VCF-style: chr2-219157533-C-G. GRCh37 (hg19) VCF-style: chr2-220022255-C-G.
Other names: c.329G>C, p.Ser110Thr (NM_001377498.1, NM_001377499.1); short protein forms S110T.
Identifiers: ClinVar variation 2714909 (VCV002714909.3), dbSNP rs2469676025, ClinGen allele CA350631610.